The following is an entry in ClinVar:

ClinVar aggregate classification (germline): Uncertain significance (1 of 4 stars; one submission).

Submission:

GeneDx
Classification: Uncertain significance. Last evaluated: 2024-10-08. Review status: criteria provided, single submitter. Criteria: GeneDx Variant Classification Process June 2021. Collection method: clinical testing. Allele origin: germline. Affected: yes.
Comment: Not observed at significant frequency in large population cohorts (gnomAD); In silico analysis supports that this missense variant has a deleterious effect on protein structure/function; Has not been previously published as pathogenic or benign to our knowledge

NM_021096.4(CACNA1I):c.4316A>T (p.Gln1439Leu)

Gene: CACNA1I (calcium voltage-gated channel subunit alpha1 I; plus strand). Cytogenetic location: 22q13.1.
Variant type: single nucleotide variant.
Coding change: c.4316A>T on transcript NM_021096.4 (MANE Select); coding-DNA position 4316, A replaced by T.
Protein change: p.Gln1439Leu; replaces glutamine 1439 with leucine.
Molecular consequence: missense variant.
Genome position (GRCh38, 1-based): chr22:39,670,159, A>T. VCF-style: chr22-39670159-A-T. GRCh37 (hg19) VCF-style: chr22-40066164-A-T.
Other names: c.4211A>T, p.Gln1404Leu (NM_001003406.2); short protein forms Q1404L, Q1439L.
Identifiers: ClinVar variation 3777433 (VCV003777433.1).